The following is an entry in ClinVar:

ClinVar aggregate classification (germline): Uncertain significance (1 of 4 stars; one submission).

Conditions:
Hereditary cancer-predisposing syndrome. Also called: Hereditary neoplastic syndrome; Neoplastic Syndromes, Hereditary; Tumor predisposition; Hereditary Cancer Syndrome. Identifiers: Orphanet 140162, MedGen C0027672, MeSH D009386, MONDO:0015356.

Submission:

Ambry Genetics
Classification: Uncertain significance for Hereditary cancer-predisposing syndrome. Last evaluated: 2025-02-27. Review status: criteria provided, single submitter. Criteria: Ambry Variant Classification Scheme 2023. Collection method: clinical testing. Allele origin: germline.
Comment: The c.2422delG variant, located in coding exon 10 of the AXIN2 gene, results from a deletion of one nucleotide at nucleotide position 2422, causing a translational frameshift with a predicted alternate stop codon (p.A808Qfs*53). This alteration occurs at the 3' terminus of theAXIN2 gene, is not expected to trigger nonsense-mediated mRNAdecay, and impacts the last 36 amino acids of the protein. The exact functional effect of this alteration is unknown. Based on the available evidence, the clinical significance of this variant remains unclear.

NM_004655.4(AXIN2):c.2422del (p.Ala808fs)

Gene: AXIN2 (axin 2; minus strand). Cytogenetic location: 17q24.1.
Variant type: Deletion.
Coding change: c.2422del on transcript NM_004655.4 (MANE Select); coding-DNA position 2422, one base deleted (G; older notation c.2422delG).
Protein change: p.Ala808fs; shifts the reading frame from alanine 808.
Molecular consequence: frameshift variant.
Genome position (GRCh38, 1-based): chr17:65,530,086, C deleted on the plus strand (G on the coding strand, the reverse complement: AXIN2 is on the minus strand). VCF-style (leftmost placement, unchanged base first): chr17-65530085-GC-G. GRCh37 (hg19) VCF-style: chr17-63526203-GC-G.
Other names: c.2227del, p.Ala743fs (NM_001363813.1); short protein forms A808fs, A743fs.
Identifiers: ClinVar variation 3814536 (VCV003814536.1).
Genomic context (GRCh38, chr17:65,530,085, plus strand): 5'-AGCACCGTCTCATCCTCCCAGATCTCCTCAAACACCGCTCCACAGGCAAACTCATCGCTT[GC>G]TTTTTTGAAGTAATACCTTAAAAGGAAAACCAAAAAAGCTTCTTGGTAAACTGCATTTTC-3'